The following is an entry in ClinVar:

ClinVar aggregate classification (germline): Uncertain significance. Review status: criteria provided, multiple submitters, no conflicts (2 of 4 stars). 2 submissions from 2 submitters: Uncertain significance (2). Last evaluated 2023-05-09.

Conditions:
Ataxia-telangiectasia syndrome (AT). Also called: Ataxia telangiectasia (A-T); LOUIS-BAR SYNDROME; Cerebello-oculocutaneous telangiectasia; Immunodeficiency with ataxia telangiectasia; Ataxia-telangiectasia, complementation group D; AT, COMPLEMENTATION GROUP C. Identifiers: Orphanet 100, MedGen C0004135, MONDO:0008840, OMIM 208900.
Hereditary cancer-predisposing syndrome. Also called: Hereditary neoplastic syndrome; Neoplastic Syndromes, Hereditary; Tumor predisposition; Hereditary Cancer Syndrome. Identifiers: Orphanet 140162, MedGen C0027672, MeSH D009386, MONDO:0015356.

Submissions (2):

Labcorp Genetics (formerly Invitae), Labcorp
Classification: Uncertain significance for Ataxia-telangiectasia syndrome. Last evaluated: 2023-05-09. Review status: criteria provided, single submitter. Criteria: Invitae Variant Classification Sherloc (09022015). Collection method: clinical testing. Allele origin: germline.
Comment: In summary, the available evidence is currently insufficient to determine the role of this variant in disease. Therefore, it has been classified as a Variant of Uncertain Significance. An algorithm developed to predict the effect of missense changes on protein structure and function (PolyPhen-2) suggests that this variant is likely to be disruptive. ClinVar contains an entry for this variant (Variation ID: 1761704). This variant has not been reported in the literature in individuals affected with ATM-related conditions. This variant is not present in population databases (gnomAD no frequency). This sequence change replaces threonine, which is neutral and polar, with isoleucine, which is neutral and non-polar, at codon 2674 of the ATM protein (p.Thr2674Ile).

Ambry Genetics
Classification: Uncertain significance for Hereditary cancer-predisposing syndrome. Last evaluated: 2021-01-22. Review status: criteria provided, single submitter. Criteria: Ambry Variant Classification Scheme 2023. Collection method: clinical testing. Allele origin: germline.
Comment: The p.T2674I variant (also known as c.8021C>T), located in coding exon 54 of the ATM gene, results from a C to T substitution at nucleotide position 8021. The threonine at codon 2674 is replaced by isoleucine, an amino acid with similar properties. This amino acid position is not well conserved in available vertebrate species. In addition, the in silico prediction for this alteration is inconclusive. Since supporting evidence is limited at this time, the clinical significance of this alteration remains unclear.

NM_000051.4(ATM):c.8021C>T (p.Thr2674Ile)

Genes: ATM (ATM serine/threonine kinase; plus strand), C11orf65 (chromosome 11 open reading frame 65; minus strand). Cytogenetic location: 11q22.3.
Variant type: single nucleotide variant.
Coding change: c.8021C>T on transcript NM_000051.4 (MANE Select); coding-DNA position 8021, C replaced by T.
Protein change: p.Thr2674Ile; replaces threonine 2674 with isoleucine.
Molecular consequence: missense variant. On other transcripts: intron variant (2).
Genome position (GRCh38, 1-based): chr11:108,334,979, C>T. VCF-style: chr11-108334979-C-T. GRCh37 (hg19) VCF-style: chr11-108205706-C-T.
Other names: c.8021C>T, p.Thr2674Ile (NM_001351834.2); c.641-25908G>A (NM_001330368.2); c.*38+241G>A (NM_001351110.2); short protein forms T2674I.
Identifiers: ClinVar variation 1761704 (VCV001761704.5), dbSNP rs2086669536, ClinGen allele CA382561857.